The following is an entry in ClinVar:

NM_006885.4(ZFHX3):c.6404A>G (p.Gln2135Arg)

Genes: ZFHX3 (zinc finger homeobox 3; minus strand), ZFHX3-AS1 (ZFHX3 antisense RNA 1; plus strand). Cytogenetic location: 16q22.2.
Variant type: single nucleotide variant.
Coding change: c.6404A>G on transcript NM_006885.4 (MANE Select); coding-DNA position 6404, A replaced by G.
Protein change: p.Gln2135Arg; replaces glutamine 2135 with arginine.
Molecular consequence: missense variant.
Genome position (GRCh38, 1-based): chr16:72,796,278, T>C on the plus strand (A>G on the coding strand, the complement: ZFHX3 is on the minus strand). VCF-style: chr16-72796278-T-C. GRCh37 (hg19) VCF-style: chr16-72830177-T-C.
Other names: c.3662A>G, p.Gln1221Arg (NM_001164766.2); c.6404A>G, p.Gln2135Arg (NM_001386735.1); short protein forms Q1221R, Q2135R.
Identifiers: ClinVar variation 3384516 (VCV003384516.1).
Genomic context (GRCh38, chr16:72,796,278, plus strand): 5'-TCATCTGTGATCCTGGTGCGAGGCCTCTTGTTCTGCTGCTGGAGCAGGGTTGGATTGAGC[T>C]GATGCTGGTAGAGTTGGGCCAGGTCCGCAGGCAGAGGCTCCACAGGTCCCAGCTGCGGGG-3'
Protein context (NP_008816.3, residues 2125-2145): PADLAQLYQH[Gln2135Arg]LNPTLLQQQN

ClinVar aggregate classification (germline): Uncertain significance (1 of 4 stars; one submission).

Submission:

GeneDx
Classification: Uncertain significance. Last evaluated: 2024-06-05. Review status: criteria provided, single submitter. Criteria: GeneDx Variant Classification Process June 2021. Collection method: clinical testing. Allele origin: germline. Affected: yes.
Comment: Not observed at significant frequency in large population cohorts (gnomAD); In silico analysis supports that this missense variant has a deleterious effect on protein structure/function; Has not been previously published as pathogenic or benign to our knowledge